The following is an entry in ClinVar:

ClinVar aggregate classification (germline): Uncertain significance (1 of 4 stars; one submission).

Conditions:
Congenital brain dysgenesis due to glutamine synthetase deficiency (GLND). Also called: GLUTAMINE SYNTHASE DEFICIENCY, CONGENITAL SYSTEMIC. Identifiers: Orphanet 71278, MedGen C1864910, MONDO:0012393, OMIM 610015.

Allele frequency attached by ClinVar (database versions not stated): gnomAD exomes below 0.00001; TOPMed below 0.00001.
gnomAD v4.1: 2 of 1,613,820 alleles (0.00012%); no homozygotes.

Submission:

Labcorp Genetics (formerly Invitae), Labcorp
Classification: Uncertain significance for Congenital brain dysgenesis due to glutamine synthetase deficiency. Last evaluated: 2022-08-09. Review status: criteria provided, single submitter. Criteria: Invitae Variant Classification Sherloc (09022015). Collection method: clinical testing. Allele origin: germline.
Comment: In summary, the available evidence is currently insufficient to determine the role of this variant in disease. Therefore, it has been classified as a Variant of Uncertain Significance. Algorithms developed to predict the effect of missense changes on protein structure and function (SIFT, PolyPhen-2, Align-GVGD) all suggest that this variant is likely to be tolerated. ClinVar contains an entry for this variant (Variation ID: 1381399). This variant has not been reported in the literature in individuals affected with GLUL-related conditions. This variant is not present in population databases (gnomAD no frequency). This sequence change replaces asparagine, which is neutral and polar, with aspartic acid, which is acidic and polar, at codon 362 of the GLUL protein (p.Asn362Asp).

NM_001033044.4(GLUL):c.1084A>G (p.Asn362Asp)

Gene: GLUL (glutamate-ammonia ligase; minus strand). Cytogenetic location: 1q25.3.
Variant type: single nucleotide variant.
Coding change: c.1084A>G on transcript NM_001033044.4 (MANE Select); coding-DNA position 1084, A replaced by G.
Protein change: p.Asn362Asp; replaces asparagine 362 with aspartic acid.
Molecular consequence: missense variant.
Genome position (GRCh38, 1-based): chr1:182,384,443, T>C on the plus strand (A>G on the coding strand, the complement: GLUL is on the minus strand). VCF-style: chr1-182384443-T-C. GRCh37 (hg19) VCF-style: chr1-182353578-T-C.
Other names: c.1084A>G, p.Asn362Asp (NM_001033056.4, NM_002065.7); short protein forms N362D.
Identifiers: ClinVar variation 1381399 (VCV001381399.6), dbSNP rs1650079466, ClinGen allele CA343637929.